The following is an entry in ClinVar:

ClinVar aggregate classification (germline): Uncertain significance (1 of 4 stars; one submission).

Submission:

Women's Health and Genetics/Laboratory Corporation of America, LabCorp
Classification: Uncertain significance. Last evaluated: 2025-11-26. Review status: criteria provided, single submitter. Criteria: LabCorp Variant Classification Summary - May 2015. Collection method: clinical testing. Allele origin: germline.
Comment: Variant summary: PNPT1 c.784T>G (p.Leu262Val) results in a conservative amino acid change in the encoded protein sequence. Algorithms developed to predict the effect of missense changes on protein structure and function are either unavailable or do not agree on the potential impact of this missense change. The variant was absent in 251034 control chromosomes. The available data on variant occurrences in the general population are insufficient to allow any conclusion about variant significance. To our knowledge, no occurrence of c.784T>G in individuals affected with PNPT1-related conditions and no experimental evidence demonstrating its impact on protein function have been reported. No submitters have cited clinical-significance assessments for this variant to ClinVar. Based on the evidence outlined above, the variant was classified as uncertain significance.

NM_033109.5(PNPT1):c.784T>G (p.Leu262Val)

Gene: PNPT1 (polyribonucleotide nucleotidyltransferase 1; minus strand). Cytogenetic location: 2p16.1.
Variant type: single nucleotide variant.
Coding change: c.784T>G on transcript NM_033109.5 (MANE Select); coding-DNA position 784, T replaced by G.
Protein change: p.Leu262Val; replaces leucine 262 with valine.
Molecular consequence: missense variant.
Genome position (GRCh38, 1-based): chr2:55,672,975, A>C on the plus strand (T>G on the coding strand, the complement: PNPT1 is on the minus strand). VCF-style: chr2-55672975-A-C. GRCh37 (hg19) VCF-style: chr2-55900110-A-C.
Other names: short protein forms L262V.
Identifiers: ClinVar variation 4537140 (VCV004537140.1).